The following is an entry in ClinVar:

NM_001113378.2(FANCI):c.3525C>A (p.Ala1175=)

Gene: FANCI (FA complementation group I; plus strand). Cytogenetic location: 15q26.1.
Variant type: single nucleotide variant.
Coding change: c.3525C>A on transcript NM_001113378.2 (MANE Select); coding-DNA position 3525, C replaced by A.
Protein change: p.Ala1175=; no amino-acid change (alanine 1175 retained).
Molecular consequence: synonymous variant.
Genome position (GRCh38, 1-based): chr15:89,306,182, C>A. VCF-style: chr15-89306182-C-A. GRCh37 (hg19) VCF-style: chr15-89849413-C-A.
Other names: c.3246C>A, p.Ala1082= (NM_001376910.1); c.3525C>A, p.Ala1175= (NM_001376911.1); c.3345C>A, p.Ala1115= (NM_018193.3).
Identifiers: ClinVar variation 414863 (VCV000414863.24), dbSNP rs114810692, ClinGen allele CA7723739.

ClinVar aggregate classification (germline): Benign/Likely benign. Review status: criteria provided, multiple submitters, no conflicts (2 of 4 stars). 7 submissions from 7 submitters: Benign (6); Likely benign (1). Last evaluated 2026-02-04.

Conditions:
Fanconi anemia (FA). Also called: Fanconi's anemia. Identifiers: Orphanet 84, MedGen C0015625, MeSH D005199, MONDO:0019391.
Fanconi anemia complementation group I (FANCI). Also called: FANCI-Related Fanconi Anemia. Identifiers: Orphanet 84, MedGen C1836861, MONDO:0012186, OMIM 609053.

Allele frequency attached by ClinVar (database versions not stated): gnomAD exomes 0.00060 and 0.00138; ExAC 0.00162; ESP Exome Variant Server 0.00585; gnomAD 0.00589 and 0.00625; TOPMed 0.00632; 1000 Genomes Project 0.00659; 1000 Genomes Project 30x 0.00765.
gnomAD v4.1: 1,815 of 1,614,122 alleles (0.11%); highest among the groups gnomAD compares: African/African-American, 2.1%; 9 homozygotes.

Submissions (7):

Labcorp Genetics (formerly Invitae), Labcorp
Classification: Benign for Fanconi anemia. Last evaluated: 2026-02-04. Review status: criteria provided, single submitter. Criteria: Invitae Variant Classification Sherloc (09022015). Collection method: clinical testing. Allele origin: germline.

Blueprint Genetics
Classification: Likely benign. Last evaluated: 2024-11-15. Review status: criteria provided, single submitter. Criteria: ACMG Guidelines, 2015. Collection method: clinical testing. Allele origin: germline.

KCCC/NGS Laboratory, Kuwait Cancer Control Center
Classification: Benign for Fanconi anemia complementation group I. Last evaluated: 2023-07-07. Review status: criteria provided, single submitter. Criteria: ACMG Guidelines, 2015. Collection method: clinical testing. Allele origin: germline. Affected: yes.

Fulgent Genetics
Classification: Benign for Fanconi anemia complementation group I. Last evaluated: 2021-08-16. Review status: criteria provided, single submitter. Criteria: ACMG Guidelines, 2015. Collection method: clinical testing. Allele origin: unknown.

Genetic Services Laboratory, University of Chicago
Classification: Benign. Last evaluated: 2019-06-26. Review status: criteria provided, single submitter. Criteria: ACMG Guidelines, 2015. Collection method: clinical testing. Allele origin: germline. Affected: no.

Illumina Laboratory Services, Illumina
Classification: Benign for Fanconi anemia complementation group I. Last evaluated: 2017-04-27. Review status: criteria provided, single submitter. Criteria: ICSL Variant Classification Criteria 13 December 2019. Collection method: clinical testing. Allele origin: germline.
Comment: This variant was observed as part of a predisposition screen in an ostensibly healthy population. A literature search was performed for the gene, cDNA change, and amino acid change (where applicable). No publications were found based on this search. Allele frequency data from public databases was too high to be consistent with this variant causing disease. Therefore, this variant is classified as benign.

Breakthrough Genomics
Classification: Benign. Review status: criteria provided, single submitter. Criteria: ACMG Guidelines, 2015. Collection method: not provided. Allele origin: germline. Inheritance: Autosomal recessive inheritance. Affected: yes.